The following is an entry in ClinVar:

NM_001130823.3(DNMT1):c.2552T>C (p.Ile851Thr)

Gene: DNMT1 (DNA methyltransferase 1; minus strand). Cytogenetic location: 19p13.2.
Variant type: single nucleotide variant.
Coding change: c.2552T>C on transcript NM_001130823.3 (MANE Select); coding-DNA position 2552, T replaced by C.
Protein change: p.Ile851Thr; replaces isoleucine 851 with threonine.
Molecular consequence: missense variant.
Genome position (GRCh38, 1-based): chr19:10,149,487, A>G on the plus strand (T>C on the coding strand, the complement: DNMT1 is on the minus strand). VCF-style: chr19-10149487-A-G. GRCh37 (hg19) VCF-style: chr19-10260163-A-G.
Other names: c.2504T>C, p.Ile835Thr (NM_001318730.2, NM_001379.4); c.2189T>C, p.Ile730Thr (NM_001318731.2); short protein forms I851T, I835T, I730T.
Identifiers: ClinVar variation 3706559 (VCV003706559.2).

ClinVar aggregate classification (germline): Uncertain significance (1 of 4 stars; one submission).

Conditions:
Hereditary sensory neuropathy-deafness-dementia syndrome. Also called: HSN IE; Hereditary sensory neuropathy type IE; NEUROPATHY, HEREDITARY SENSORY, WITH HEARING LOSS AND DEMENTIA; Hereditary Sensory and Autonomic Neuropathy Type 1E (HSAN1E). Identifiers: Orphanet 456318, MedGen C3279885, MONDO:0013584, OMIM 614116.

gnomAD v4.1: 2 of 1,614,066 alleles (0.00012%); highest among the groups gnomAD compares: Admixed American, 0.0017%; no homozygotes.

Submission:

Labcorp Genetics (formerly Invitae), Labcorp
Classification: Uncertain significance for Hereditary sensory neuropathy-deafness-dementia syndrome. Last evaluated: 2024-09-02. Review status: criteria provided, single submitter. Criteria: Invitae Variant Classification Sherloc (09022015). Collection method: clinical testing. Allele origin: germline.
Comment: This sequence change replaces isoleucine, which is neutral and non-polar, with threonine, which is neutral and polar, at codon 851 of the DNMT1 protein (p.Ile851Thr). This variant is not present in population databases (gnomAD no frequency). This variant has not been reported in the literature in individuals affected with DNMT1-related conditions. Invitae Evidence Modeling of protein sequence and biophysical properties (such as structural, functional, and spatial information, amino acid conservation, physicochemical variation, residue mobility, and thermodynamic stability) indicates that this missense variant is not expected to disrupt DNMT1 protein function with a negative predictive value of 80%. In summary, the available evidence is currently insufficient to determine the role of this variant in disease. Therefore, it has been classified as a Variant of Uncertain Significance.